The following is an entry in ClinVar:

NM_004132.5(HABP2):c.1590C>T (p.Gly530=)

Gene: HABP2 (hyaluronan binding protein 2; plus strand). Cytogenetic location: 10q25.3.
Variant type: single nucleotide variant.
Coding change: c.1590C>T on transcript NM_004132.5 (MANE Select); coding-DNA position 1590, C replaced by T.
Protein change: p.Gly530=; no amino-acid change (glycine 530 retained).
Molecular consequence: synonymous variant.
Genome position (GRCh38, 1-based): chr10:113,588,276, C>T. VCF-style: chr10-113588276-C-T. GRCh37 (hg19) VCF-style: chr10-115348035-C-T.
Other names: c.1512C>T, p.Gly504= (NM_001177660.3).
Identifiers: ClinVar variation 1683615 (VCV001683615.2), dbSNP rs2133792767, ClinGen allele CA471516878.

ClinVar aggregate classification (germline): Uncertain significance (1 of 4 stars; one submission).

Conditions:
Thyroid cancer, nonmedullary, 5 (NMTC5). Identifiers: MedGen C4225292, MONDO:0014682, OMIM 616535.

Submission:

Laboratorio de Genetica e Diagnostico Molecular, Hospital Israelita Albert Einstein
Classification: Uncertain significance for Thyroid cancer, nonmedullary, 5. Last evaluated: 2021-09-09. Review status: criteria provided, single submitter. Criteria: ACMG Guidelines, 2015. Collection method: clinical testing. Allele origin: germline. Affected: yes.
Comment: ACMG classification criteria: PM2 moderate